The following is an entry in ClinVar:

ClinVar aggregate classification (germline): Benign. Review status: criteria provided, multiple submitters, no conflicts (2 of 4 stars). 4 submissions from 4 submitters: Benign (3). 1 of the submissions does not count toward it. Last evaluated 2020-01-03.

Conditions:
TAOK1-related disorder. Also called: TAOK1-related condition.

Allele frequency attached by ClinVar (database versions not stated): gnomAD exomes 0.00206 and 0.00587; ExAC 0.00718; gnomAD 0.02132 and 0.02294; 1000 Genomes Project 0.02256; 1000 Genomes Project 30x 0.02327; TOPMed 0.02367; ESP Exome Variant Server 0.02599.
gnomAD v4.1: 6,350 of 1,606,000 alleles (0.4%); highest among the groups gnomAD compares: African/African-American, 7.4%; 195 homozygotes.

Submissions (4):

GeneDx
Classification: Benign. Last evaluated: 2020-01-03. Review status: criteria provided, single submitter. Criteria: GeneDx Variant Classification Process June 2021. Collection method: clinical testing. Allele origin: germline. Affected: yes.

Labcorp Genetics (formerly Invitae), Labcorp
Classification: Benign. Last evaluated: 2019-12-31. Review status: criteria provided, single submitter. Criteria: Invitae Variant Classification Sherloc (09022015). Collection method: clinical testing. Allele origin: germline.

Breakthrough Genomics
Classification: Benign. Review status: criteria provided, single submitter. Criteria: ACMG Guidelines, 2015. Collection method: not provided. Allele origin: germline. Inheritance: Autosomal dominant inheritance. Affected: yes.

PreventionGenetics, part of Exact Sciences
Classification: Benign for TAOK1-related condition. Last evaluated: 2019-11-07. Review status: no assertion criteria provided. Collection method: clinical testing. Allele origin: germline. Not counted in ClinVar's aggregate classification.
Comment: This variant is classified as benign based on ACMG/AMP sequence variant interpretation guidelines (Richards et al. 2015 PMID: 25741868, with internal and published modifications).

NM_020791.4(TAOK1):c.660A>G (p.Glu220=)

Gene: TAOK1 (TAO kinase 1; plus strand). Cytogenetic location: 17q11.2.
Variant type: single nucleotide variant.
Coding change: c.660A>G on transcript NM_020791.4 (MANE Select); coding-DNA position 660, A replaced by G.
Protein change: p.Glu220=; no amino-acid change (glutamic acid 220 retained).
Molecular consequence: synonymous variant.
Genome position (GRCh38, 1-based): chr17:29,489,668, A>G. VCF-style: chr17-29489668-A-G. GRCh37 (hg19) VCF-style: chr17-27816686-A-G.
Other names: c.660A>G, p.Glu220= (NM_025142.1).
Identifiers: ClinVar variation 777157 (VCV000777157.9), dbSNP rs9897675, ClinGen allele CA8474497.
Genomic context (GRCh38, chr17:29,489,668, plus strand): 5'-AGGACTTGAGTACCCCTGGAACCTATTTTAACAGGAATGTTTCCTTTCTTTTACAGCGGA[A>G]AGGAAGCCTCCTTTATTTAATATGAATGCAATGAGTGCCTTATATCACATAGCCCAAAAT-3'
Protein context (NP_065842.1, residues 210-230): SLGITCIELA[Glu220=]RKPPLFNMNA